The following is an entry in ClinVar:

NM_001105206.3(LAMA4):c.1588G>A (p.Val530Met)

Gene: LAMA4 (laminin subunit alpha 4; minus strand). Cytogenetic location: 6q21.
Variant type: single nucleotide variant.
Coding change: c.1588G>A on transcript NM_001105206.3 (MANE Select); coding-DNA position 1588, G replaced by A.
Protein change: p.Val530Met; replaces valine 530 with methionine.
Molecular consequence: missense variant.
Genome position (GRCh38, 1-based): chr6:112,165,240, C>T on the plus strand (G>A on the coding strand, the complement: LAMA4 is on the minus strand). VCF-style: chr6-112165240-C-T. GRCh37 (hg19) VCF-style: chr6-112486442-C-T.
Other names: c.1567G>A, p.Val523Met (NM_001105207.3, NM_002290.5); short protein forms V523M, V530M.
Identifiers: ClinVar variation 3222022 (VCV003222022.1), dbSNP rs2547092281, ClinGen allele CA365368096.
Genomic context (GRCh38, chr6:112,165,240, plus strand): 5'-CTGAAAGAGTTAGACGAGGTGTTGTCAGAGAGTCCGCAGATGTGCTCAGAGACATGTTCA[C>T]CACTTCCATTTGTTCCCTCACTCTTTCCTGTTGTTTCTGCGGGAAGGAAGAGTAAGGGAG-3'
Protein context (NP_001098676.2, residues 520-540): QERVREQMEV[Val530Met]NMSLSTSADS

ClinVar aggregate classification (germline): Uncertain significance (1 of 4 stars; one submission).

Conditions:
Cardiovascular phenotype. Identifiers: MedGen CN230736.

Submission:

Ambry Genetics
Classification: Uncertain significance for Cardiovascular phenotype. Last evaluated: 2024-02-01. Review status: criteria provided, single submitter. Criteria: Ambry Variant Classification Scheme 2023. Collection method: clinical testing. Allele origin: germline.
Comment: The p.V523M variant (also known as c.1567G>A), located in coding exon 12 of the LAMA4 gene, results from a G to A substitution at nucleotide position 1567. The valine at codon 523 is replaced by methionine, an amino acid with highly similar properties. This amino acid position is conserved. In addition, this alteration is predicted to be tolerated by in silico analysis. Based on the available evidence, the clinical significance of this alteration remains unclear.